The following is an entry in ClinVar:

NM_001165963.4(SCN1A):c.2297T>G (p.Met766Arg)

Gene: SCN1A (sodium voltage-gated channel alpha subunit 1; minus strand). Cytogenetic location: 2q24.3.
Variant type: single nucleotide variant.
Coding change: c.2297T>G on transcript NM_001165963.4 (MANE Select); coding-DNA position 2297, T replaced by G.
Protein change: p.Met766Arg; replaces methionine 766 with arginine.
Molecular consequence: missense variant. On other transcripts: 5 prime UTR variant (1), non-coding transcript variant (1).
Genome position (GRCh38, 1-based): chr2:166,041,349, A>C on the plus strand (T>G on the coding strand, the complement: SCN1A is on the minus strand). VCF-style: chr2-166041349-A-C. GRCh37 (hg19) VCF-style: chr2-166897859-A-C.
Other names: c.2297T>G, p.Met766Arg (NM_001202435.3, NM_001353948.2); c.2264T>G, p.Met755Arg (NM_001353949.2, NM_001353950.2, NM_001353951.2 and 2 more transcripts); c.2261T>G, p.Met754Arg (NM_001353954.2, NM_001353955.2); c.2213T>G, p.Met738Arg (NM_001353957.2, NM_001353958.2, NM_001165964.3); c.2210T>G, p.Met737Arg (NM_001353960.2); c.-162T>G (NM_001353961.2); short protein forms M737R, M738R, M754R, M755R, M766R.
Identifiers: ClinVar variation 1304306 (VCV001304306.5), dbSNP rs2105828429, ClinGen allele CA349064495.

ClinVar aggregate classification (germline): Uncertain significance. Review status: criteria provided, multiple submitters, no conflicts (2 of 4 stars). 2 submissions from 2 submitters: Uncertain significance (2). Last evaluated 2025-01-28.

Conditions:
Early-infantile DEE. Also called: Early infantile epileptic encephalopathy; Early infantile epileptic encephalopathy with suppression bursts; Ohtahara syndrome. Identifiers: Orphanet 1934, MedGen C0393706, MONDO:0800491.

Submissions (2):

Labcorp Genetics (formerly Invitae), Labcorp
Classification: Uncertain significance for Early-infantile DEE. Last evaluated: 2025-01-28. Review status: criteria provided, single submitter. Criteria: Invitae Variant Classification Sherloc (09022015). Collection method: clinical testing. Allele origin: germline.
Comment: This sequence change replaces methionine, which is neutral and non-polar, with arginine, which is basic and polar, at codon 766 of the SCN1A protein (p.Met766Arg). This variant is not present in population databases (gnomAD no frequency). This variant has not been reported in the literature in individuals affected with SCN1A-related conditions. ClinVar contains an entry for this variant (Variation ID: 1304306). Invitae Evidence Modeling of protein sequence and biophysical properties (such as structural, functional, and spatial information, amino acid conservation, physicochemical variation, residue mobility, and thermodynamic stability) indicates that this missense variant is expected to disrupt SCN1A protein function with a positive predictive value of 95%. In summary, the available evidence is currently insufficient to determine the role of this variant in disease. Therefore, it has been classified as a Variant of Uncertain Significance.

GeneDx
Classification: Uncertain significance. Last evaluated: 2023-04-24. Review status: criteria provided, single submitter. Criteria: GeneDx Variant Classification Process June 2021. Collection method: clinical testing. Allele origin: germline. Affected: yes.
Comment: Not observed at significant frequency in large population cohorts (gnomAD); In silico analysis supports that this missense variant has a deleterious effect on protein structure/function; Missense variants in this gene are often considered pathogenic (HGMD); This substitution is predicted to be in the cytoplasmic loop between the first and second homologous domains; Has not been previously published as pathogenic or benign to our knowledge